The following is an entry in ClinVar:

NM_004415.4(DSP):c.4916T>C (p.Val1639Ala)

Gene: DSP (desmoplakin; plus strand). Cytogenetic location: 6p24.3.
Variant type: single nucleotide variant.
Coding change: c.4916T>C on transcript NM_004415.4 (MANE Select); coding-DNA position 4916, T replaced by C.
Protein change: p.Val1639Ala; replaces valine 1639 with alanine.
Molecular consequence: missense variant. On other transcripts: intron variant (2).
Genome position (GRCh38, 1-based): chr6:7,581,106, T>C. VCF-style: chr6-7581106-T-C. GRCh37 (hg19) VCF-style: chr6-7581339-T-C.
Other names: c.4050+866T>C (NM_001319034.2); c.3582+1334T>C (NM_001008844.3); short protein forms V1639A.
Identifiers: ClinVar variation 1964245 (VCV001964245.5), dbSNP rs1304994640, ClinGen allele CA362687439.

ClinVar aggregate classification (germline): Uncertain significance (1 of 4 stars; one submission).

Conditions:
Arrhythmogenic cardiomyopathy with wooly hair and keratoderma. Also called: Arrhythmogenic cardiomyopathy with woolly hair and keratoderma; Carvajal syndrome; PALMOPLANTAR KERATODERMA WITH LEFT VENTRICULAR CARDIOMYOPATHY AND WOOLLY HAIR; Dilated cardiomyopathy with woolly hair and keratoderma. Identifiers: Orphanet 65282, MedGen C1854063, MONDO:0011581, OMIM 605676.
Arrhythmogenic right ventricular dysplasia 8 (ARVD8). Also called: Arrhythmogenic Right Ventricular Dysplasia/Cardiomyopathy 8; ARRHYTHMOGENIC RIGHT VENTRICULAR CARDIOMYOPATHY 8; ARRHYTHMOGENIC RIGHT VENTRICULAR DYSPLASIA, FAMILIAL, 8. Identifiers: MedGen C1843896, MONDO:0011831, OMIM 607450.

Submission:

Labcorp Genetics (formerly Invitae), Labcorp
Classification: Uncertain significance for Arrhythmogenic cardiomyopathy with wooly hair and keratoderma; Arrhythmogenic right ventricular dysplasia 8. Last evaluated: 2022-04-24. Review status: criteria provided, single submitter. Criteria: Invitae Variant Classification Sherloc (09022015). Collection method: clinical testing. Allele origin: germline.
Comment: In summary, the available evidence is currently insufficient to determine the role of this variant in disease. Therefore, it has been classified as a Variant of Uncertain Significance. Algorithms developed to predict the effect of missense changes on protein structure and function (SIFT, PolyPhen-2, Align-GVGD) all suggest that this variant is likely to be tolerated. This variant has not been reported in the literature in individuals affected with DSP-related conditions. This variant is not present in population databases (gnomAD no frequency). This sequence change replaces valine, which is neutral and non-polar, with alanine, which is neutral and non-polar, at codon 1639 of the DSP protein (p.Val1639Ala).